The following is an entry in ClinVar:

ClinVar aggregate classification (germline): Uncertain significance (1 of 4 stars; one submission).

Conditions:
Spastic paraplegia. Identifiers: MedGen C0037772, HP:0001258.

Submission:

Labcorp Genetics (formerly Invitae), Labcorp
Classification: Uncertain significance for Spastic paraplegia. Last evaluated: 2022-02-21. Review status: criteria provided, single submitter. Criteria: Invitae Variant Classification Sherloc (09022015). Collection method: clinical testing. Allele origin: germline.
Comment: This sequence change replaces lysine, which is basic and polar, with methionine, which is neutral and non-polar, at codon 29 of the KIF5A protein (p.Lys29Met). This variant is not present in population databases (gnomAD no frequency). This variant has not been reported in the literature in individuals affected with KIF5A-related conditions. Advanced modeling of protein sequence and biophysical properties (such as structural, functional, and spatial information, amino acid conservation, physicochemical variation, residue mobility, and thermodynamic stability) performed at Invitae indicates that this missense variant is not expected to disrupt KIF5A protein function. In summary, the available evidence is currently insufficient to determine the role of this variant in disease. Therefore, it has been classified as a Variant of Uncertain Significance.

NM_004984.4(KIF5A):c.86A>T (p.Lys29Met)

Gene: KIF5A (kinesin family member 5A; plus strand). Cytogenetic location: 12q13.3.
Variant type: single nucleotide variant.
Coding change: c.86A>T on transcript NM_004984.4 (MANE Select); coding-DNA position 86, A replaced by T.
Protein change: p.Lys29Met; replaces lysine 29 with methionine.
Molecular consequence: missense variant.
Genome position (GRCh38, 1-based): chr12:57,550,357, A>T. VCF-style: chr12-57550357-A-T. GRCh37 (hg19) VCF-style: chr12-57944140-A-T.
Other names: c.86A>T, p.Lys29Met (NM_001354705.2); short protein forms K29M.
Identifiers: ClinVar variation 1489146 (VCV001489146.6), dbSNP rs2140150198, ClinGen allele CA385496134.